The following is an entry in ClinVar:

ClinVar aggregate classification (germline): Uncertain significance (1 of 4 stars; one submission).

Conditions:
Myofibrillar myopathy 3 (MFM3). Also called: Muscular dystrophy, proximal, type 1A; Autosomal dominant spheroid body myopathy. Identifiers: Orphanet 266, Orphanet 268129, MedGen C3714934, MONDO:0012215, OMIM 609200.

Allele frequency attached by ClinVar (database versions not stated): gnomAD 0.00001; gnomAD exomes 0.00001; ExAC 0.00002; TOPMed 0.00002.

Submission:

Labcorp Genetics (formerly Invitae), Labcorp
Classification: Uncertain significance for Myofibrillar myopathy 3. Last evaluated: 2022-06-04. Review status: criteria provided, single submitter. Criteria: Invitae Variant Classification Sherloc (09022015). Collection method: clinical testing. Allele origin: germline.
Comment: In summary, the available evidence is currently insufficient to determine the role of this variant in disease. Therefore, it has been classified as a Variant of Uncertain Significance. Algorithms developed to predict the effect of missense changes on protein structure and function are either unavailable or do not agree on the potential impact of this missense change (SIFT: "Tolerated"; PolyPhen-2: "Probably Damaging"; Align-GVGD: "Class C0"). This missense change has been observed in individual(s) with clinical features of limb-girdle muscular dystrophy (LGMD) (PMID: 28403181). This variant is present in population databases (rs778912259, gnomAD 0.006%). This sequence change replaces valine, which is neutral and non-polar, with isoleucine, which is neutral and non-polar, at codon 440 of the MYOT protein (p.Val440Ile).

Literature cited by the submitters: PubMed 28403181.

NM_006790.3(MYOT):c.1318G>A (p.Val440Ile)

Genes: MYOT (myotilin; plus strand), PKD2L2-DT (PKD2L2 divergent transcript; minus strand). Cytogenetic location: 5q31.2.
Variant type: single nucleotide variant.
Coding change: c.1318G>A on transcript NM_006790.3 (MANE Select); coding-DNA position 1318, G replaced by A.
Protein change: p.Val440Ile; replaces valine 440 with isoleucine.
Molecular consequence: missense variant.
Genome position (GRCh38, 1-based): chr5:137,886,991, G>A. VCF-style: chr5-137886991-G-A. GRCh37 (hg19) VCF-style: chr5-137222680-G-A.
Other names: c.766G>A, p.Val256Ile (NM_001135940.2); c.973G>A, p.Val325Ile (NM_001300911.2); short protein forms V256I, V325I, V440I.
Identifiers: ClinVar variation 1978157 (VCV001978157.5), dbSNP rs778912259, ClinGen allele CA3423149.